The following is an entry in ClinVar:

ClinVar aggregate classification (germline): Uncertain significance (1 of 4 stars; one submission).

Submission:

GeneDx
Classification: Uncertain significance. Last evaluated: 2024-02-15. Review status: criteria provided, single submitter. Criteria: GeneDx Variant Classification Process June 2021. Collection method: clinical testing. Allele origin: germline. Affected: yes.
Comment: Not observed at significant frequency in large population cohorts (gnomAD); In silico analysis supports that this variant does not alter splicing; Has not been previously published as pathogenic or benign to our knowledge

NM_000141.5(FGFR2):c.9C>T (p.Ser3=)

Gene: FGFR2 (fibroblast growth factor receptor 2; minus strand). Cytogenetic location: 10q26.13.
Variant type: single nucleotide variant.
Coding change: c.9C>T on transcript NM_000141.5 (MANE Select); coding-DNA position 9, C replaced by T.
Protein change: p.Ser3=; no amino-acid change (serine 3 retained).
Molecular consequence: synonymous variant. On other transcripts: non-coding transcript variant (1).
Genome position (GRCh38, 1-based): chr10:121,593,809, G>A on the plus strand (C>T on the coding strand, the complement: FGFR2 is on the minus strand). VCF-style: chr10-121593809-G-A. GRCh37 (hg19) VCF-style: chr10-123353323-G-A.
Other names: c.9C>T, p.Ser3= (NM_001144913.1, NM_001144914.1, NM_001144915.2 and 7 more transcripts).
Identifiers: ClinVar variation 3369195 (VCV003369195.1).